The following is an entry in ClinVar:

ClinVar aggregate classification (germline): Benign. Review status: criteria provided, single submitter (1 of 4 stars). 2 submissions from 1 submitter: Benign (2). Last evaluated 2018-01-12.

Conditions:
Craniometaphyseal dysplasia, autosomal dominant (CMDD). Identifiers: Orphanet 1522, MedGen C1852502, MONDO:0007397, OMIM 123000.
Chondrocalcinosis 2. Also called: CALCIUM GOUT; CALCIUM PYROPHOSPHATE ARTHROPATHY; Familial calcium pyrophosphate deposition. Identifiers: Orphanet 1416, MedGen C0856830, MONDO:0007319, OMIM 118600.

Allele frequency attached by ClinVar (database versions not stated): 1000 Genomes Project 0.00938; 1000 Genomes Project 30x 0.01093; gnomAD 0.01175 and 0.01275; TOPMed 0.01292.

Submissions (2):

Illumina Laboratory Services, Illumina
Classification: Benign for Chondrocalcinosis 2. Last evaluated: 2018-01-12. Review status: criteria provided, single submitter. Criteria: ICSL Variant Classification Criteria 13 December 2019. Collection method: clinical testing. Allele origin: germline.
Comment: This variant was observed in the ICSL laboratory as part of a predisposition screen in an ostensibly healthy population. It had not been previously curated by ICSL or reported in the Human Gene Mutation Database (HGMD: prior to June 1st, 2018), and was therefore a candidate for classification through an automated scoring system. Utilizing variant allele frequency, disease prevalence and penetrance estimates, and inheritance mode, an automated score was calculated to assess if this variant is too frequent to cause the disease. Based on the score and internal cut-off values, a variant classified as benign is not then subjected to further curation. The score for this variant resulted in a classification of benign for this disease.

Illumina Laboratory Services, Illumina
Classification: Benign for Craniometaphyseal dysplasia, autosomal dominant. Last evaluated: 2018-01-12. Review status: criteria provided, single submitter. Criteria: ICSL Variant Classification Criteria 13 December 2019. Collection method: clinical testing. Allele origin: germline.
Comment: the same text as in the submission from Illumina Laboratory Services, Illumina above.

NM_054027.6(ANKH):c.*925T>C

Genes: ANKH (ANKH inorganic pyrophosphate transport regulator; minus strand), OTULIN (OTU deubiquitinase with linear linkage specificity; plus strand). Cytogenetic location: 5p15.2.
Variant type: single nucleotide variant.
Coding change: c.*925T>C on transcript NM_054027.6 (MANE Select); 925 bases downstream of the stop codon, T replaced by C.
Molecular consequence: 3 prime UTR variant.
Genome position (GRCh38, 1-based): chr5:14,710,272, A>G on the plus strand (T>C on the coding strand, the complement: ANKH is on the minus strand). VCF-style: chr5-14710272-A-G. GRCh37 (hg19) VCF-style: chr5-14710381-A-G.
Identifiers: ClinVar variation 351475 (VCV000351475.5), dbSNP rs115929672, ClinGen allele CA10619310.
Genomic context (GRCh38, chr5:14,710,272, plus strand): 5'-AAAAGTTACCCTACAGCAACCTGGCATTAGAATGCTGGATGAGACTTAAAGCTTCAGTTC[A>G]CTGTAAAAACTAAAATGCAAAGTTAGGATGCTCCATGTGACTCGCTCTAATGCGACCTTC-3'